The following is an entry in ClinVar:

ClinVar aggregate classification (germline): Uncertain significance (1 of 4 stars; one submission).

Conditions:
Hereditary cancer-predisposing syndrome. Also called: Neoplastic Syndromes, Hereditary; Tumor predisposition; Hereditary Cancer Syndrome; Hereditary neoplastic syndrome. Identifiers: Orphanet 140162, MedGen C0027672, MeSH D009386, MONDO:0015356.

Submission:

Ambry Genetics
Classification: Uncertain significance for Hereditary cancer-predisposing syndrome. Last evaluated: 2024-09-23. Review status: criteria provided, single submitter. Criteria: Ambry Variant Classification Scheme 2023. Collection method: clinical testing. Allele origin: germline.
Comment: The p.P2665H variant (also known as c.7994C>A), located in coding exon 15 of the APC gene, results from a C to A substitution at nucleotide position 7994. The proline at codon 2665 is replaced by histidine, an amino acid with similar properties. This amino acid position is conserved. In addition, in silico predictors for this gene do not accurately predict pathogenicity. Based on the available evidence, the clinical significance of this variant remains unclear.

NM_000038.6(APC):c.7994C>A (p.Pro2665His)

Gene: APC (APC regulator of Wnt signaling pathway; plus strand). Cytogenetic location: 5q22.2.
Variant type: single nucleotide variant.
Coding change: c.7994C>A on transcript NM_000038.6 (MANE Select); coding-DNA position 7994, C replaced by A.
Protein change: p.Pro2665His; replaces proline 2665 with histidine.
Molecular consequence: missense variant. On other transcripts: non-coding transcript variant (2).
Genome position (GRCh38, 1-based): chr5:112,843,588, C>A. VCF-style: chr5-112843588-C-A. GRCh37 (hg19) VCF-style: chr5-112179285-C-A.
Other names: c.7994C>A, p.Pro2665His (NM_001127510.3, NM_001354895.2, NM_001407450.1); c.7940C>A, p.Pro2647His (NM_001127511.3); c.8048C>A, p.Pro2683His (NM_001354896.2, NM_001407447.1, NM_001407448.1 and 1 more transcripts); c.8024C>A, p.Pro2675His (NM_001354897.2); c.7919C>A, p.Pro2640His (NM_001354898.2); c.7910C>A, p.Pro2637His (NM_001354899.2); c.7871C>A, p.Pro2624His (NM_001354900.2); c.7817C>A, p.Pro2606His (NM_001354901.2, NM_001407453.1); and 11 more; short protein forms P2281H, P2536H, P2582H, P2624H, P2658H, P2382H, P2606H, P2505H.
Identifiers: ClinVar variation 3411348 (VCV003411348.1).